The following is an entry in ClinVar:

NM_014244.5(ADAMTS2):c.2243C>T (p.Ala748Val)

Gene: ADAMTS2 (ADAM metallopeptidase with thrombospondin type 1 motif 2; minus strand). Cytogenetic location: 5q35.3.
Variant type: single nucleotide variant.
Coding change: c.2243C>T on transcript NM_014244.5 (MANE Select); coding-DNA position 2243, C replaced by T.
Protein change: p.Ala748Val; replaces alanine 748 with valine.
Molecular consequence: missense variant.
Genome position (GRCh38, 1-based): chr5:179,132,277, G>A on the plus strand (C>T on the coding strand, the complement: ADAMTS2 is on the minus strand). VCF-style: chr5-179132277-G-A. GRCh37 (hg19) VCF-style: chr5-178559278-G-A.
Other names: p.Ala748Val; short protein forms A748V.
Identifiers: ClinVar variation 469670 (VCV000469670.9), dbSNP rs780473688, ClinGen allele CA133034386.

ClinVar aggregate classification (germline): Uncertain significance. Review status: criteria provided, multiple submitters, no conflicts (2 of 4 stars). 5 submissions from 5 submitters: Uncertain significance (4). 1 of the submissions does not count toward it. Last evaluated 2025-05-19.

Conditions:
Inborn genetic diseases. Identifiers: MedGen C0950123, MeSH D030342.
Ehlers-Danlos syndrome, dermatosparaxis type. Also called: EDS VIIC; Dermatosparaxis; Ehlers-Danlos syndrome, type VII, autosomal recessive. Identifiers: Orphanet 1901, MedGen C2700425, MONDO:0009161, OMIM 225410.

Allele frequency attached by ClinVar (database versions not stated): gnomAD exomes 0.00001 and 0.00002; gnomAD 0.00002; TOPMed 0.00003.
gnomAD v4.1: 26 of 1,614,088 alleles (0.0016%); highest among the groups gnomAD compares: Non-Finnish European, 0.0022%; no homozygotes.

Submissions (5):

Ambry Genetics
Classification: Uncertain significance for Inborn genetic diseases. Last evaluated: 2025-05-19. Review status: criteria provided, single submitter. Criteria: Ambry Variant Classification Scheme 2023. Collection method: clinical testing. Allele origin: germline.

Mayo Clinic Laboratories, Mayo Clinic
Classification: Uncertain significance. Last evaluated: 2025-03-25. Review status: criteria provided, single submitter. Criteria: ACMG Guidelines, 2015. Collection method: clinical testing. Allele origin: germline. Observed: 1 variant allele.
Comment: PP3, PM2_supporting

GeneDx
Classification: Uncertain significance. Last evaluated: 2025-01-28. Review status: criteria provided, single submitter. Criteria: GeneDx Variant Classification Process June 2021. Collection method: clinical testing. Allele origin: germline. Affected: yes.
Comment: Not observed at significant frequency in large population cohorts (gnomAD); In silico analysis supports that this missense variant has a deleterious effect on protein structure/function; Has not been previously published as pathogenic or benign to our knowledge

Labcorp Genetics (formerly Invitae), Labcorp
Classification: Uncertain significance for Ehlers-Danlos syndrome, dermatosparaxis type. Last evaluated: 2024-01-22. Review status: criteria provided, single submitter. Criteria: Invitae Variant Classification Sherloc (09022015). Collection method: clinical testing. Allele origin: germline.
Comment: This sequence change replaces alanine, which is neutral and non-polar, with valine, which is neutral and non-polar, at codon 748 of the ADAMTS2 protein (p.Ala748Val). This variant is present in population databases (rs780473688, gnomAD 0.002%). This variant has not been reported in the literature in individuals affected with ADAMTS2-related conditions. ClinVar contains an entry for this variant (Variation ID: 469670). An algorithm developed to predict the effect of missense changes on protein structure and function (PolyPhen-2) suggests that this variant is likely to be disruptive. In summary, the available evidence is currently insufficient to determine the role of this variant in disease. Therefore, it has been classified as a Variant of Uncertain Significance.

Natera, Inc.
Classification: Uncertain significance for Ehlers-Danlos syndrome type VIIC. Last evaluated: 2020-02-28. Review status: no assertion criteria provided. Collection method: clinical testing. Allele origin: germline. Not counted in ClinVar's aggregate classification.